The following is an entry in ClinVar:

ClinVar aggregate classification (germline): Uncertain significance (1 of 4 stars; one submission).

Conditions:
Charcot-Marie-Tooth disease type 2E (CMT2E). Also called: CHARCOT-MARIE-TOOTH NEUROPATHY, TYPE 2E; CHARCOT-MARIE-TOOTH DISEASE, AXONAL, TYPE 2E. Identifiers: Orphanet 99939, MedGen C1843225, MONDO:0011894, OMIM 607684.

Submission:

Labcorp Genetics (formerly Invitae), Labcorp
Classification: Uncertain significance for Charcot-Marie-Tooth disease type 2E. Last evaluated: 2018-11-16. Review status: criteria provided, single submitter. Criteria: Invitae Variant Classification Sherloc (09022015). Collection method: clinical testing. Allele origin: germline.
Comment: Algorithms developed to predict the effect of missense changes on protein structure and function are either unavailable or do not agree on the potential impact of this missense change (SIFT: "Deleterious"; PolyPhen-2: "Not Available"; Align-GVGD: "Class C0"). This variant has not been reported in the literature in individuals with NEFL-related disease. This variant is not present in population databases (ExAC no frequency). This sequence change replaces glycine with arginine at codon 514 of the NEFL protein (p.Gly514Arg). The glycine residue is moderately conserved and there is a moderate physicochemical difference between glycine and arginine. In summary, the available evidence is currently insufficient to determine the role of this variant in disease. Therefore, it has been classified as a Variant of Uncertain Significance.

NM_006158.5(NEFL):c.1540G>C (p.Gly514Arg)

Gene: NEFL (neurofilament light chain; minus strand). Cytogenetic location: 8p21.2.
Variant type: single nucleotide variant.
Coding change: c.1540G>C on transcript NM_006158.5 (MANE Select); coding-DNA position 1540, G replaced by C.
Protein change: p.Gly514Arg; replaces glycine 514 with arginine.
Molecular consequence: missense variant.
Genome position (GRCh38, 1-based): chr8:24,952,902, C>G on the plus strand (G>C on the coding strand, the complement: NEFL is on the minus strand). VCF-style: chr8-24952902-C-G. GRCh37 (hg19) VCF-style: chr8-24810415-C-G.
Other names: short protein forms G514R.
Identifiers: ClinVar variation 652069 (VCV000652069.4), dbSNP rs1586126037, ClinGen allele CA370619682.
Genomic context (GRCh38, chr8:24,952,902, plus strand): 5'-CAGCACCTTCAACTTTCTTCTCCTCCTCTTCAGCTTCTTTGGTTTCCTCTCCTTCTTCAC[C>G]TTCACCTCCTTCTTCTTCTTCTTTTGCTTCTTCAGACTCTTCCTTGGCAGCTTTAACATA-3'
Protein context (NP_006149.2, residues 504-524): EAKEEEEGGE[Gly514Arg]EEGEETKEAE